The following is an entry in ClinVar:

NM_000350.3(ABCA4):c.5222_5232del (p.Leu1741fs)

Gene: ABCA4 (ATP binding cassette subfamily A member 4; minus strand). Cytogenetic location: 1p22.1.
Variant type: Deletion.
Coding change: c.5222_5232del on transcript NM_000350.3 (MANE Select); coding-DNA positions 5222 to 5232, 11 bases deleted (TGGTGGTGGGC).
Protein change: p.Leu1741fs; shifts the reading frame from leucine 1741.
Molecular consequence: frameshift variant.
Genome position (GRCh38, 1-based): chr1:94,015,819-94,015,829, GCCCACCACCA deleted on the plus strand (TGGTGGTGGGC on the coding strand, the reverse complement: ABCA4 is on the minus strand); deleting any 11 consecutive bases within chr1:94,015,819-94,015,834 gives the same sequence; the c. name uses the placement nearest the transcript's 3' end. VCF-style (leftmost placement, unchanged base first): chr1-94015818-TGCCCACCACCA-T. GRCh37 (hg19) VCF-style: chr1-94481374-TGCCCACCACCA-T.
Other names: NM_000350.3(ABCA4):c.5222_5232del; p.Leu1741fs; c.5222_5232del (NM_000350.2); c.4995_5005delTGGGCTGGTGG, p.Leu1667Hisfs (NM_001425324.1); short protein forms L1741fs.
Identifiers: ClinVar variation 99359 (VCV000099359.13), dbSNP rs61750569, ClinGen allele CA227288.

ClinVar aggregate classification (germline): Pathogenic. Review status: reviewed by expert panel (3 of 4 stars). 5 submissions from 5 submitters: Pathogenic (1). 4 of the submissions do not count toward it. Last evaluated 2025-12-05.

Conditions:
ABCA4-related retinopathy. Also called: ABCA4-related retinoapthy; ABCA4 retinoapthy. Identifiers: MedGen CN322612, MONDO:0800406.
ABCA4-related disorder. Also called: ABCA4-related disorders; ABCA4-related condition. Identifiers: MedGen CN239167.

Submissions (5):

ClinGen ABCA4 Variant Curation Expert Panel, Clingen
Classification: Pathogenic for ABCA4-related retinopathy. Last evaluated: 2025-12-05. Review status: reviewed by expert panel. Criteria: ClinGen ABCA4 ACMG Specifications V1.0.0. Collection method: curation. Allele origin: germline. Inheritance: Autosomal recessive inheritance.
Comment: The NM_000350.3:c.5222_5232del (p.Leu1741HisfsTer?) variant in ABC4A is a frameshift variant predicted to cause a premature stop codon in biologically-relevant-exon 37 of 50, leading to nonsense mediated decay in a gene in which loss-of-function is an established disease mechanism (PVS1, PMID: 23769331). The total minor allele frequency in gnomAD v4.1.0 is 0.00001673 (27/1613980 alleles), which is lower than the ClinGen ABCA4 VCEP’s threshold for disease (<0.0001), meeting criterion PM2_Supporting. The prevalence of the variant in affected individuals is significantly increased compared with the prevalence in controls. The Odds Ratio is infinity and the Confidence Interval is 4.92 to infinity, which is above the ABCA4 VCEP threshold of >5, where the CI does not contain 1 (PS4; PMID: 35120629). This variant is published as “A1739 del11gcTGGGCTGGTGG” and has been reported in one individual with Stargardt disease where no clinical code was applied (PMID: 19074458). In summary, this variant meets the criteria to be classified as pathogenic for ABCA4-related retinopathy based on the ACMG/AMP criteria applied, as specified by the ClinGen ABCA4 VCEP (Specification Version 1.0), as specified by the ClinGen ABCA4 Variant Curation Expert Panel: PVS1, PS4, PM2_Supporting.

Labcorp Genetics (formerly Invitae), Labcorp
Classification: Pathogenic. Last evaluated: 2025-04-10. Review status: criteria provided, single submitter. Criteria: Invitae Variant Classification Sherloc (09022015). Collection method: clinical testing. Allele origin: germline. Not counted in ClinVar's aggregate classification.
Comment: This sequence change creates a premature translational stop signal (p.Leu1741Hisfs*42) in the ABCA4 gene. It is expected to result in an absent or disrupted protein product. Loss-of-function variants in ABCA4 are known to be pathogenic (PMID: 10958761, 24938718, 25312043, 26780318). This variant is not present in population databases (gnomAD no frequency). This variant has not been reported in the literature in individuals affected with ABCA4-related conditions. ClinVar contains an entry for this variant (Variation ID: 99359). For these reasons, this variant has been classified as Pathogenic.

GeneDx
Classification: Pathogenic. Last evaluated: 2024-04-29. Review status: criteria provided, single submitter. Criteria: GeneDx Variant Classification Process June 2021. Collection method: clinical testing. Allele origin: germline. Affected: yes. Not counted in ClinVar's aggregate classification.
Comment: Reported in a patient with Stargardt disease in published literature; however, it is unclear if a second ABCA4 variant was identified in this individual (PMID: 15579991); Frameshift variant predicted to result in protein truncation or nonsense mediated decay in a gene for which loss of function is a known mechanism of disease; Not observed at significant frequency in large population cohorts (gnomAD); This variant is associated with the following publications: (PMID: 35120629, 15579991, 35076026)

Blueprint Genetics
Classification: Pathogenic for ABCA4-related disorders. Last evaluated: 2022-09-19. Review status: criteria provided, single submitter. Criteria: ACMG Guidelines, 2015. Collection method: clinical testing. Allele origin: germline. Affected: yes. Observed: 5 variant alleles. Not counted in ClinVar's aggregate classification.

Retina International
No classification provided. Review status: no classification provided. Collection method: not provided. Allele origin: not provided. Not counted in ClinVar's aggregate classification.

Literature cited by the submitters: PubMed 10958761 (cited by Labcorp Genetics (formerly Invitae), Labcorp); PubMed 24938718 (cited by Labcorp Genetics (formerly Invitae), Labcorp); PubMed 25312043 (cited by Labcorp Genetics (formerly Invitae), Labcorp); PubMed 26780318 (cited by Labcorp Genetics (formerly Invitae), Labcorp).